The following is an entry in ClinVar:

NM_000492.4(CFTR):c.1680A>C (p.Arg560Ser)

Gene: CFTR (CF transmembrane conductance regulator; plus strand). Cytogenetic location: 7q31.2.
Variant type: single nucleotide variant.
Coding change: c.1680A>C on transcript NM_000492.4 (MANE Select); coding-DNA position 1680, A replaced by C.
Protein change: p.Arg560Ser; replaces arginine 560 with serine.
Molecular consequence: missense variant.
Genome position (GRCh38, 1-based): chr7:117,590,353, A>C. VCF-style: chr7-117590353-A-C. GRCh37 (hg19) VCF-style: chr7-117230407-A-C.
Other names: short protein forms R560S.
Identifiers: ClinVar variation 53339 (VCV000053339.9), dbSNP rs397508267, ClinGen allele CA326605.

ClinVar aggregate classification (germline): Pathogenic. Review status: reviewed by expert panel (3 of 4 stars). 9 submissions from 9 submitters: Pathogenic (1). 8 of the submissions do not count toward it. Last evaluated 2017-03-17.

Conditions:
Cystic fibrosis (CF). Also called: MUCOVISCIDOSIS. Identifiers: Orphanet 586, MedGen C0010674, MONDO:0009061, OMIM 219700. Disease mechanism: loss of function.

Allele frequency attached by ClinVar (database versions not stated): gnomAD exomes below 0.00001; ExAC 0.00001.
gnomAD v4.1: 2 of 1,602,436 alleles (0.00012%); highest among the groups gnomAD compares: South Asian, 0.0022%; no homozygotes.

Submissions (9):

CFTR2
Classification: Pathogenic for Cystic fibrosis. Last evaluated: 2017-03-17. Review status: reviewed by expert panel. Criteria: Sosnay PR et al. (Nat Genet 2013). Collection method: research. Allele origin: germline. Affected: yes. Study: CFTR2.

GeneDx
Classification: Pathogenic. Last evaluated: 2023-12-07. Review status: criteria provided, single submitter. Criteria: GeneDx Variant Classification Process June 2021. Collection method: clinical testing. Allele origin: germline. Affected: yes. Not counted in ClinVar's aggregate classification.
Comment: Published functional studies demonstrate a damaging effect: absent chloride transport detected and absent expression of mature protein (PMID: 30030066, 23891399); Reported in homozygous state or with a second, pathogenic CFTR variant in individuals with cystic fibrosis; however, additional clinical and segregation information was not included (PMID: 10923036, 9482579); Not observed at significant frequency in large population cohorts (gnomAD); This variant is associated with the following publications: (PMID: 23891399, 9482579, 30030066, 10923036, 15463917)

Women's Health and Genetics/Laboratory Corporation of America, LabCorp
Classification: Pathogenic for Cystic fibrosis. Last evaluated: 2022-10-22. Review status: criteria provided, single submitter. Criteria: LabCorp Variant Classification Summary - May 2015. Collection method: clinical testing. Allele origin: germline. Not counted in ClinVar's aggregate classification.
Comment: Variant summary: CFTR c.1680A>C (p.Arg560Ser) results in a non-conservative amino acid change located in the ABC transporter-like, ATP-binding domain (IPR003439) of the encoded protein sequence. Five of five in-silico tools predict a damaging effect of the variant on protein function. The variant allele was found at a frequency of 4e-06 in 250272 control chromosomes. c.1680A>C has been reported in the literature as a biallelic homozygous or compound heterozygous genotype in multiple individuals affected with Cystic Fibrosis (example, Kraemer_1998, Malone_1998, Claustres_2000, McCague_2019, Awatade_2019). These data indicate that the variant is very likely to be associated with disease. At least one publication reports experimental evidence evaluating an impact on protein function (Awatade_2019). The most pronounced variant effect affects CFTR protein processing, totally abrogating the production of its mature form and no function as a chloride channel with no ability of the modulators to rescue CFTR processing or function. Three clinical diagnostic laboratories, one expert panel (CFTR2) and a database (CFTR-France) have submitted clinical-significance assessments for this variant to ClinVar after 2014 without evidence for independent evaluation. All submitters classified the variant as pathogenic (n=4)/likely pathogenic (n=1). Based on the evidence outlined above, the variant was classified as pathogenic.

Institute of Human Genetics, University of Leipzig Medical Center
Classification: Pathogenic for Cystic fibrosis. Last evaluated: 2022-09-05. Review status: criteria provided, single submitter. Criteria: ACMG Guidelines, 2015. Collection method: curation. Allele origin: unknown. Affected: yes. Observed: 3 variant alleles. Not counted in ClinVar's aggregate classification.
Comment: This variant was identified in 3 unrelated patients with a clinically confirmed diagnosis of cystic fibrosis. The variant was classified in the context of a project re-classifying variants in the German Cystic Fibrosis Registry (Muko.e.V.). Criteria applied: PS1, PS3, PM1, PM2_SUP, PM3, PM5_STR, PP3

CFTR-France
Classification: Pathogenic for Cystic fibrosis. Last evaluated: 2021-08-31. Review status: criteria provided, single submitter. Criteria: Claustres M et al. (Hum Mutat 2017). Collection method: curation. Allele origin: germline. Affected: yes. Not counted in ClinVar's aggregate classification.

Ambry Genetics
Classification: Pathogenic for Cystic fibrosis. Last evaluated: 2021-08-20. Review status: criteria provided, single submitter. Criteria: Ambry Variant Classification Scheme 2023. Collection method: clinical testing. Allele origin: germline. Not counted in ClinVar's aggregate classification.
Comment: The p.R560S pathogenic mutation (also known as c.1680A>C), located in coding exon 13 of the CFTR gene, results from a adenine to cysteine substitution at nucleotide position 1680. This variant impacts the first base pair of coding exon 13. The arginine at codon 560 is replaced by serine, an amino acid with dissimilar properties. This alteration has been detected in the homozygous state, and in a compound heterozygous state with the CFTR F508del mutation, in multiple individuals diagnosed with cystic fibrosis (Kraemer R et al. Pediatr Res, 1998 Dec;44:920-6; Claustres M et al. Hum Mutat, 2000;16:143-56; Malone G et al. Hum Mutat, 1998;11:152-7). This amino acid position is highly conserved in available vertebrate species. In addition, this alteration is predicted to be deleterious by in silico analysis. Based on the supporting evidence, this alteration is interpreted as a disease-causing mutation.

Natera, Inc.
Classification: Pathogenic for Cystic Fibrosis. Last evaluated: 2020-09-16. Review status: no assertion criteria provided. Collection method: clinical testing. Allele origin: germline. Not counted in ClinVar's aggregate classification.

Counsyl
Classification: Likely pathogenic for Cystic fibrosis. Last evaluated: 2017-06-07. Review status: no assertion criteria provided. Collection method: clinical testing. Allele origin: unknown. Not counted in ClinVar's aggregate classification.

ClinVar Staff, National Center for Biotechnology Information (NCBI)
No classification provided. Condition: CFTR-related disorders. Review status: no classification provided. Collection method: literature only. Allele origin: germline. Affected: yes. Not counted in ClinVar's aggregate classification.

Literature cited by the submitters: PubMed 10923036 (cited by 3 submitters); PubMed 9482579 (cited by 3 submitters); PubMed 30888834 (cited by Women's Health and Genetics/Laboratory Corporation of America, LabCorp); PubMed 30030066 (cited by Women's Health and Genetics/Laboratory Corporation of America, LabCorp); PubMed 9853928 (cited by 3 submitters); PubMed 15853950 (cited by Counsyl); PubMed 23891399 (cited by Counsyl); PubMed 11180668 (cited by ClinVar Staff, National Center for Biotechnology Information (NCBI)).